The following is an entry in ClinVar:

NC_000009.11:g.(?_140948278)_(140970382_?)dup

Gene: CACNA1B (calcium voltage-gated channel subunit alpha1 B; plus strand). Cytogenetic location: 9q34.3.
Variant type: Duplication.
Identifiers: ClinVar variation 3245293 (VCV003245293.1).

ClinVar aggregate classification (germline): Likely pathogenic (1 of 4 stars; one submission).

Submission:

Labcorp Genetics (formerly Invitae), Labcorp
Classification: Likely pathogenic. Last evaluated: 2023-09-06. Review status: criteria provided, single submitter. Criteria: Invitae Variant Classification Sherloc (09022015). Collection method: clinical testing. Allele origin: unknown.
Comment: In summary, the currently available evidence indicates that the variant is pathogenic, but additional data are needed to prove that conclusively. Therefore, this variant has been classified as Likely Pathogenic. This variant has not been reported in the literature in individuals affected with CACNA1B-related conditions. This variant results in a copy number gain of the genomic region encompassing exon(s) 26-35 of the CACNA1B gene. While the exact position of this variant cannot be determined from the data, sub-genic copy number gains are generally in tandem (PMID: 25640679). This variant is predicted to be out-of-frame, and may result in an absent or disrupted protein product. Loss-of-function variants in CACNA1B are known to be pathogenic (PMID: 30982612).

Literature cited by the submitters: PubMed 25640679; PubMed 30982612.